The following is an entry in ClinVar:

ClinVar aggregate classification (germline): Likely benign. Review status: criteria provided, single submitter (1 of 4 stars). 2 submissions from 2 submitters: Likely benign (1). 1 of the submissions does not count toward it. Last evaluated 2025-12-22.

Conditions:
EP300-related disorder. Also called: EP300-related disorders; EP300-related condition.
Rubinstein-Taybi syndrome due to EP300 haploinsufficiency. Also called: EP300-Related Rubinstein-Taybi Syndrome; RUBINSTEIN-TAYBI SYNDROME 2. Identifiers: Orphanet 353284, Orphanet 783, MedGen C3150941, MONDO:0013364, OMIM 613684.

Allele frequency attached by ClinVar (database versions not stated): gnomAD 0.00001; TOPMed 0.00001; gnomAD exomes 0.00003.
gnomAD v4.1: 48 of 1,614,206 alleles (0.003%); highest among the groups gnomAD compares: Non-Finnish European, 0.004%; no homozygotes.

Submissions (2):

Labcorp Genetics (formerly Invitae), Labcorp
Classification: Likely benign for Rubinstein-Taybi syndrome due to EP300 haploinsufficiency. Last evaluated: 2025-12-22. Review status: criteria provided, single submitter. Criteria: Invitae Variant Classification Sherloc (09022015). Collection method: clinical testing. Allele origin: germline.

PreventionGenetics, part of Exact Sciences
Classification: Likely benign for EP300-related condition. Last evaluated: 2021-09-24. Review status: no assertion criteria provided. Collection method: clinical testing. Allele origin: germline. Not counted in ClinVar's aggregate classification.
Comment: This variant is classified as likely benign based on ACMG/AMP sequence variant interpretation guidelines (Richards et al. 2015 PMID: 25741868, with internal and published modifications).

NM_001429.4(EP300):c.6300C>T (p.Ile2100=)

Gene: EP300 (EP300 lysine acetyltransferase; plus strand). Cytogenetic location: 22q13.2.
Variant type: single nucleotide variant.
Coding change: c.6300C>T on transcript NM_001429.4 (MANE Select); coding-DNA position 6300, C replaced by T.
Protein change: p.Ile2100=; no amino-acid change (isoleucine 2100 retained).
Molecular consequence: synonymous variant.
Genome position (GRCh38, 1-based): chr22:41,178,011, C>T. VCF-style: chr22-41178011-C-T. GRCh37 (hg19) VCF-style: chr22-41574015-C-T.
Other names: c.6222C>T, p.Ile2074= (NM_001362843.2).
Identifiers: ClinVar variation 3058676 (VCV003058676.4), dbSNP rs1254571486, ClinGen allele CA514794085.